The following is an entry in ClinVar:

ClinVar aggregate classification (germline): Pathogenic (1 of 4 stars; one submission).

Submission:

GeneDx
Classification: Pathogenic. Last evaluated: 2018-05-10. Review status: criteria provided, single submitter. Criteria: GeneDx Variant Classification (06012015). Collection method: clinical testing. Allele origin: germline. Affected: yes.
Comment: The G1027R variant has been published previously in association with osteogenesis imperfecta (Marini et al., 2007). It occurs in the triple helical domain and replaces the Glycine in the canonical Gly-X-Y repeat. Variants in these Glycines result in poor winding of the collagen triple helix and a less functional protein. The variant is not observed in large population cohorts (Lek et al., 2016). G1027R is a non-conservative amino acid substitution, which is likely to impact secondary protein structure as these residues differ in polarity, charge, size and/or other properties. This substitution occurs at a position that is conserved across species, and in silico analysis predicts this variant is probably damaging to the protein structure/function. Missense variants in nearby Glycine residues (G1012S, G1015R, G1024R, G1030A, G1036R, G1039D, G1042S) have been reported in the Human Gene Mutation Database in association with osteogenesis imperfecta (Stenson et al., 2014), supporting the functional importance of this region of the protein. In summary, we consider this variant to be pathogenic.

NM_000089.4(COL1A2):c.3079G>A (p.Gly1027Arg)

Gene: COL1A2 (collagen type I alpha 2 chain; plus strand). Cytogenetic location: 7q21.3.
Variant type: single nucleotide variant.
Coding change: c.3079G>A on transcript NM_000089.4 (MANE Select); coding-DNA position 3079, G replaced by A.
Protein change: p.Gly1027Arg; replaces glycine 1027 with arginine.
Molecular consequence: missense variant.
Genome position (GRCh38, 1-based): chr7:94,426,504, G>A. VCF-style: chr7-94426504-G-A. GRCh37 (hg19) VCF-style: chr7-94055816-G-A.
Other names: short protein forms G1027R.
Identifiers: ClinVar variation 449352 (VCV000449352.2), dbSNP rs72659322, ClinGen allele CA162940386.